The following is an entry in ClinVar:

ClinVar aggregate classification (germline): Likely benign. Review status: criteria provided, multiple submitters, no conflicts (2 of 4 stars). 4 submissions from 4 submitters: Likely benign (3). 1 of the submissions does not count toward it. Last evaluated 2026-01-16.

Conditions:
LRP2-related disorder. Also called: LRP2-related condition.

Allele frequency attached by ClinVar (database versions not stated): ESP Exome Variant Server 0.00015; TOPMed 0.00015; gnomAD 0.00006 and 0.00007; ExAC 0.00015.
gnomAD v4.1: 90 of 1,613,888 alleles (0.0056%); highest among the groups gnomAD compares: East Asian, 0.049%; no homozygotes.

Submissions (4):

Labcorp Genetics (formerly Invitae), Labcorp
Classification: Likely benign. Last evaluated: 2026-01-16. Review status: criteria provided, single submitter. Criteria: Invitae Variant Classification Sherloc (09022015). Collection method: clinical testing. Allele origin: germline.

Blueprint Genetics
Classification: Likely benign. Last evaluated: 2024-11-18. Review status: criteria provided, single submitter. Criteria: ACMG Guidelines, 2015. Collection method: clinical testing. Allele origin: germline.

CeGaT Center for Human Genetics Tuebingen
Classification: Likely benign. Last evaluated: 2023-10-01. Review status: criteria provided, single submitter. Criteria: CeGaT Center For Human Genetics Tuebingen Variant Classification Criteria Version 2. Collection method: clinical testing. Allele origin: germline. Affected: yes. Observed: 1 variant allele.
Comment: LRP2: BP4, BP7

PreventionGenetics, part of Exact Sciences
Classification: Likely benign for LRP2-related condition. Last evaluated: 2022-03-16. Review status: no assertion criteria provided. Collection method: clinical testing. Allele origin: germline. Not counted in ClinVar's aggregate classification.
Comment: This variant is classified as likely benign based on ACMG/AMP sequence variant interpretation guidelines (Richards et al. 2015 PMID: 25741868, with internal and published modifications).

NM_004525.3(LRP2):c.2916C>T (p.Asn972=)

Gene: LRP2 (LDL receptor related protein 2; minus strand). Cytogenetic location: 2q31.1.
Variant type: single nucleotide variant.
Coding change: c.2916C>T on transcript NM_004525.3 (MANE Select); coding-DNA position 2916, C replaced by T.
Protein change: p.Asn972=; no amino-acid change (asparagine 972 retained).
Molecular consequence: synonymous variant.
Genome position (GRCh38, 1-based): chr2:169,246,979, G>A on the plus strand (C>T on the coding strand, the complement: LRP2 is on the minus strand). VCF-style: chr2-169246979-G-A. GRCh37 (hg19) VCF-style: chr2-170103489-G-A.
Other names: c.2916C>T (NM_004525.2).
Identifiers: ClinVar variation 1562469 (VCV001562469.33), dbSNP rs142290901, ClinGen allele CA1955162.